The following is an entry in ClinVar:

ClinVar aggregate classification (germline): Benign (0 of 4 stars; one submission).

Conditions:
SELP-related disorder. Also called: SELP-related condition.

Allele frequency attached by ClinVar (database versions not stated): gnomAD exomes 0.11837; ExAC 0.12724; 1000 Genomes Project 0.21905; gnomAD 0.23060; 1000 Genomes Project 30x 0.23235; TOPMed 0.25165.
gnomAD v4.1: 208,927 of 1,613,262 alleles (13%); highest among the groups gnomAD compares: African/African-American, 56%; 22,201 homozygotes.

Submission:

PreventionGenetics, part of Exact Sciences
Classification: Benign for SELP-related condition. Last evaluated: 2019-11-06. Review status: no assertion criteria provided. Collection method: clinical testing. Allele origin: germline.
Comment: This variant is classified as benign based on ACMG/AMP sequence variant interpretation guidelines (Richards et al. 2015 PMID: 25741868, with internal and published modifications).

NM_003005.4(SELP):c.1918G>T (p.Val640Leu)

Gene: SELP (selectin P; minus strand). Cytogenetic location: 1q24.2.
Variant type: single nucleotide variant.
Coding change: c.1918G>T on transcript NM_003005.4 (MANE Select); coding-DNA position 1918, G replaced by T.
Protein change: p.Val640Leu; replaces valine 640 with leucine.
Molecular consequence: missense variant.
Genome position (GRCh38, 1-based): chr1:169,596,108, C>A on the plus strand (G>T on the coding strand, the complement: SELP is on the minus strand). VCF-style: chr1-169596108-C-A. GRCh37 (hg19) VCF-style: chr1-169565346-C-A.
Other names: short protein forms V640L.
Identifiers: ClinVar variation 3056507 (VCV003056507.2), dbSNP rs6133, ClinGen allele CA1234973.